The following is an entry in ClinVar:

NM_033641.4(COL4A6):c.4482A>G (p.Leu1494=)

Gene: COL4A6 (collagen type IV alpha 6 chain; minus strand). Cytogenetic location: Xq22.3.
Variant type: single nucleotide variant.
Coding change: c.4482A>G on transcript NM_033641.4 (MANE Select); coding-DNA position 4482, A replaced by G.
Protein change: p.Leu1494=; no amino-acid change (leucine 1494 retained).
Molecular consequence: synonymous variant.
Genome position (GRCh38, 1-based): chrX:108,160,506, T>C on the plus strand (A>G on the coding strand, the complement: COL4A6 is on the minus strand). VCF-style: chrX-108160506-T-C. GRCh37 (hg19) VCF-style: chrX-107403736-T-C.
Other names: c.4533A>G, p.Leu1511= (NM_001287758.2); c.4410A>G, p.Leu1470= (NM_001287759.2); c.4311A>G, p.Leu1437= (NM_001287760.2); c.4485A>G, p.Leu1495= (NM_001847.4).
Identifiers: ClinVar variation 767502 (VCV000767502.8), dbSNP rs761409521, ClinGen allele CA10487182.

ClinVar aggregate classification (germline): Likely benign. Review status: criteria provided, single submitter (1 of 4 stars). 2 submissions from 2 submitters: Likely benign (1). 1 of the submissions does not count toward it. Last evaluated 2025-04-17.

Conditions:
COL4A6-related disorder. Also called: COL4A6-related condition.

Allele frequency attached by ClinVar (database versions not stated): gnomAD 0.00003; TOPMed 0.00004; gnomAD exomes 0.00012 and 0.00002; ExAC 0.00013.
gnomAD v4.1: 36 of 1,207,258 alleles (0.003%); highest among the groups gnomAD compares: Admixed American, 0.037%; no homozygotes.

Submissions (2):

Labcorp Genetics (formerly Invitae), Labcorp
Classification: Likely benign. Last evaluated: 2025-04-17. Review status: criteria provided, single submitter. Criteria: Invitae Variant Classification Sherloc (09022015). Collection method: clinical testing. Allele origin: germline.

PreventionGenetics, part of Exact Sciences
Classification: Likely benign for COL4A6-related condition. Last evaluated: 2023-01-04. Review status: no assertion criteria provided. Collection method: clinical testing. Allele origin: germline. Not counted in ClinVar's aggregate classification.
Comment: This variant is classified as likely benign based on ACMG/AMP sequence variant interpretation guidelines (Richards et al. 2015 PMID: 25741868, with internal and published modifications).